The following is an entry in ClinVar:

NM_001244008.2(KIF1A):c.4975G>A (p.Glu1659Lys)

Gene: KIF1A (kinesin family member 1A; minus strand). Cytogenetic location: 2q37.3.
Variant type: single nucleotide variant.
Coding change: c.4975G>A on transcript NM_001244008.2 (MANE Select); coding-DNA position 4975, G replaced by A.
Protein change: p.Glu1659Lys; replaces glutamic acid 1659 with lysine.
Molecular consequence: missense variant.
Genome position (GRCh38, 1-based): chr2:240,719,820, C>T on the plus strand (G>A on the coding strand, the complement: KIF1A is on the minus strand). VCF-style: chr2-240719820-C-T. GRCh37 (hg19) VCF-style: chr2-241659237-C-T.
Other names: c.4699G>A, p.Glu1567Lys (NM_001320705.2, NM_001379649.1); c.4726G>A, p.Glu1576Lys (NM_001330289.2); c.4774G>A, p.Glu1592Lys (NM_001330290.2, NM_001379648.1); c.5050G>A, p.Glu1684Lys (NM_001379631.1); c.4951G>A, p.Glu1651Lys (NM_001379632.1); c.4948G>A, p.Glu1650Lys (NM_001379633.1, NM_001379645.1); c.4801G>A, p.Glu1601Lys (NM_001379634.1); c.4798G>A, p.Glu1600Lys (NM_001379635.1, NM_001379646.1); and 7 more; short protein forms E1566K, E1592K, E1600K, E1575K, E1601K, E1651K, E1557K, E1567K.
Identifiers: ClinVar variation 949977 (VCV000949977.14), dbSNP rs764970503, ClinGen allele CA2207236.

ClinVar aggregate classification (germline): Conflicting classifications of pathogenicity. Review status: criteria provided, conflicting classifications (1 of 4 stars). 3 submissions from 3 submitters: Uncertain significance (2); Likely benign (1). Last evaluated 2026-01-05.

Conditions:
Neuropathy, hereditary sensory, type 2C. Also called: Hereditary sensory and autonomic neuropathy type IIC; KIF1A-Related HSAN2 (HSAN2C). Identifiers: Orphanet 970, MedGen C3280168, MONDO:0013634, OMIM 614213.
Intellectual disability, autosomal dominant 9 (NESCAVS). Also called: KIF1A-Related Neurodevelopmental Disorder; NESCAV SYNDROME. Identifiers: Orphanet 662367, MedGen C5393830, MONDO:0013656, OMIM 614255.
Hereditary spastic paraplegia 30. Identifiers: Orphanet 101010, MedGen C5235139, MONDO:0012476.

Allele frequency attached by ClinVar (database versions not stated): gnomAD 0.00003 and 0.00004; TOPMed 0.00004; ExAC 0.00007; gnomAD exomes 0.00012.
gnomAD v4.1: 36 of 1,609,834 alleles (0.0022%); highest among the groups gnomAD compares: Admixed American, 0.06%; no homozygotes.

Submissions (3):

Labcorp Genetics (formerly Invitae), Labcorp
Classification: Likely benign for Hereditary spastic paraplegia 30; Neuropathy, hereditary sensory, type 2C; Intellectual disability, autosomal dominant 9. Last evaluated: 2026-01-05. Review status: criteria provided, single submitter. Criteria: Invitae Variant Classification Sherloc (09022015). Collection method: clinical testing. Allele origin: germline.

GeneDx
Classification: Uncertain significance. Last evaluated: 2023-08-15. Review status: criteria provided, single submitter. Criteria: GeneDx Variant Classification Process June 2021. Collection method: clinical testing. Allele origin: germline. Affected: yes.
Comment: In silico analysis supports that this missense variant does not alter protein structure/function; Previously reported as a variant of uncertain significance in an individual with progressive cerebellar ataxia (Fogel et al., 2014); This variant is associated with the following publications: (PMID: 25133958)

Baylor Genetics
Classification: Uncertain significance for Intellectual disability, autosomal dominant 9. Last evaluated: 2018-04-06. Review status: criteria provided, single submitter. Criteria: ACMG Guidelines, 2015. Collection method: clinical testing. Allele origin: maternal. Affected: yes.
Comment: This variant was determined to be of uncertain significance according to ACMG Guidelines, 2015 [PMID:25741868].